The following is an entry in ClinVar:

ClinVar aggregate classification (germline): Uncertain significance. Review status: criteria provided, multiple submitters, no conflicts (2 of 4 stars). 2 submissions from 2 submitters: Uncertain significance (2). Last evaluated 2025-05-29.

Conditions:
Inborn genetic diseases. Identifiers: MedGen C0950123, MeSH D030342.
Joubert syndrome. Also called: Familial aplasia of the vermis; CEREBELLOPARENCHYMAL DISORDER IV; JOUBERT-BOLTSHAUSER SYNDROME. Identifiers: Orphanet 475, MedGen C5979921, MONDO:0018772.

Allele frequency attached by ClinVar (database versions not stated): gnomAD exomes below 0.00001.
gnomAD v4.1: 3 of 1,613,888 alleles (0.00019%); highest among the groups gnomAD compares: Non-Finnish European, 0.00025%; no homozygotes.

Submissions (2):

Ambry Genetics
Classification: Uncertain significance for Inborn genetic diseases. Last evaluated: 2025-05-29. Review status: criteria provided, single submitter. Criteria: Ambry Variant Classification Scheme 2023. Collection method: clinical testing. Allele origin: germline.

Labcorp Genetics (formerly Invitae), Labcorp
Classification: Uncertain significance for Joubert syndrome. Last evaluated: 2022-02-24. Review status: criteria provided, single submitter. Criteria: Invitae Variant Classification Sherloc (09022015). Collection method: clinical testing. Allele origin: germline.
Comment: This sequence change replaces methionine, which is neutral and non-polar, with leucine, which is neutral and non-polar, at codon 976 of the AHI1 protein (p.Met976Leu). This variant is not present in population databases (gnomAD no frequency). This variant has not been reported in the literature in individuals affected with AHI1-related conditions. ClinVar contains an entry for this variant (Variation ID: 971492). Advanced modeling of protein sequence and biophysical properties (such as structural, functional, and spatial information, amino acid conservation, physicochemical variation, residue mobility, and thermodynamic stability) performed at Invitae indicates that this missense variant is not expected to disrupt AHI1 protein function. In summary, the available evidence is currently insufficient to determine the role of this variant in disease. Therefore, it has been classified as a Variant of Uncertain Significance.

NM_001134831.2(AHI1):c.2926A>T (p.Met976Leu)

Gene: AHI1 (Abelson helper integration site 1; minus strand). Cytogenetic location: 6q23.3.
Variant type: single nucleotide variant.
Coding change: c.2926A>T on transcript NM_001134831.2 (MANE Select); coding-DNA position 2926, A replaced by T.
Protein change: p.Met976Leu; replaces methionine 976 with leucine.
Molecular consequence: missense variant.
Genome position (GRCh38, 1-based): chr6:135,411,383, T>A on the plus strand (A>T on the coding strand, the complement: AHI1 is on the minus strand). VCF-style: chr6-135411383-T-A. GRCh37 (hg19) VCF-style: chr6-135732521-T-A.
Other names: c.2926A>T, p.Met976Leu (NM_001134830.2, NM_001134832.2, NM_001350503.2 and 2 more transcripts); short protein forms M976L.
Identifiers: ClinVar variation 971492 (VCV000971492.8), dbSNP rs770006937, ClinGen allele CA365845901.